The following is an entry in ClinVar:

ClinVar aggregate classification (germline): Uncertain significance. Review status: criteria provided, multiple submitters, no conflicts (2 of 4 stars). 2 submissions from 2 submitters: Uncertain significance (2). Last evaluated 2024-01-17.

Conditions:
Autoimmune lymphoproliferative syndrome type 2A (ALPS2A). Also called: CASP10-Related Autoimmune Lymphoproliferative Syndrome; AUTOIMMUNE LYMPHOPROLIFERATIVE SYNDROME, TYPE IIA; Autoimmune lymphoproliferative syndrome type 2. Identifiers: Orphanet 3261, MedGen C1858968, MONDO:0011383, OMIM 603909.

Allele frequency attached by ClinVar (database versions not stated): gnomAD exomes below 0.00001.
gnomAD v4.1: 4 of 1,614,124 alleles (0.00025%); highest among the groups gnomAD compares: Non-Finnish European, 0.00034%; no homozygotes.

Submissions (2):

Ambry Genetics
Classification: Uncertain significance. Last evaluated: 2024-01-17. Review status: criteria provided, single submitter. Criteria: Ambry Variant Classification Scheme 2023. Collection method: clinical testing. Allele origin: germline.

Labcorp Genetics (formerly Invitae), Labcorp
Classification: Uncertain significance for Autoimmune lymphoproliferative syndrome type 2A. Last evaluated: 2023-08-30. Review status: criteria provided, single submitter. Criteria: Invitae Variant Classification Sherloc (09022015). Collection method: clinical testing. Allele origin: germline.
Comment: In summary, the available evidence is currently insufficient to determine the role of this variant in disease. Therefore, it has been classified as a Variant of Uncertain Significance. An algorithm developed to predict the effect of missense changes on protein structure and function (PolyPhen-2) suggests that this variant is likely to be disruptive. This variant has not been reported in the literature in individuals affected with CASP10-related conditions. This variant is not present in population databases (gnomAD no frequency). This sequence change replaces cysteine, which is neutral and slightly polar, with tyrosine, which is neutral and polar, at codon 16 of the CASP10 protein (p.Cys16Tyr).

NM_032977.4(CASP10):c.47G>A (p.Cys16Tyr)

Gene: CASP10 (caspase 10; plus strand). Cytogenetic location: 2q33.1.
Variant type: single nucleotide variant.
Coding change: c.47G>A on transcript NM_032977.4 (MANE Select); coding-DNA position 47, G replaced by A.
Protein change: p.Cys16Tyr; replaces cysteine 16 with tyrosine.
Molecular consequence: missense variant.
Genome position (GRCh38, 1-based): chr2:201,185,824, G>A. VCF-style: chr2-201185824-G-A. GRCh37 (hg19) VCF-style: chr2-202050547-G-A.
Other names: c.47G>A, p.Cys16Tyr (NM_001206524.2, NM_001206542.2, NM_001230.5 and 3 more transcripts); short protein forms C16Y.
Identifiers: ClinVar variation 2942438 (VCV002942438.4), dbSNP rs2469359621, ClinGen allele CA350277464.